The following is an entry in ClinVar:

ClinVar aggregate classification (germline): Uncertain significance (1 of 4 stars; one submission).

Conditions:
Ehlers-Danlos syndrome, dermatosparaxis type. Also called: EDS VIIC; Dermatosparaxis; Ehlers-Danlos syndrome, type VII, autosomal recessive. Identifiers: Orphanet 1901, MedGen C2700425, MONDO:0009161, OMIM 225410.

Allele frequency attached by ClinVar (database versions not stated): gnomAD exomes 0.00001; ExAC 0.00003; gnomAD 0.00005.

Submission:

Labcorp Genetics (formerly Invitae), Labcorp
Classification: Uncertain significance for Ehlers-Danlos syndrome, dermatosparaxis type. Last evaluated: 2021-08-27. Review status: criteria provided, single submitter. Criteria: Invitae Variant Classification Sherloc (09022015). Collection method: clinical testing. Allele origin: germline.
Comment: This sequence change replaces proline with serine at codon 224 of the ADAMTS2 protein (p.Pro224Ser). The proline residue is highly conserved and there is a moderate physicochemical difference between proline and serine. This variant is present in population databases (rs752381136, ExAC 0.006%). This variant has not been reported in the literature in individuals affected with ADAMTS2-related conditions. Algorithms developed to predict the effect of missense changes on protein structure and function output the following: SIFT: "Tolerated"; PolyPhen-2: "Benign"; Align-GVGD: "Class C0". The serine amino acid residue is found in multiple mammalian species, which suggests that this missense change does not adversely affect protein function. In summary, the available evidence is currently insufficient to determine the role of this variant in disease. Therefore, it has been classified as a Variant of Uncertain Significance.

NM_014244.5(ADAMTS2):c.670C>T (p.Pro224Ser)

Gene: ADAMTS2 (ADAM metallopeptidase with thrombospondin type 1 motif 2; minus strand). Cytogenetic location: 5q35.3.
Variant type: single nucleotide variant.
Coding change: c.670C>T on transcript NM_014244.5 (MANE Select); coding-DNA position 670, C replaced by T.
Protein change: p.Pro224Ser; replaces proline 224 with serine.
Molecular consequence: missense variant.
Genome position (GRCh38, 1-based): chr5:179,272,929, G>A on the plus strand (C>T on the coding strand, the complement: ADAMTS2 is on the minus strand). VCF-style: chr5-179272929-G-A. GRCh37 (hg19) VCF-style: chr5-178699930-G-A.
Other names: c.670C>T, p.Pro224Ser (NM_021599.4); short protein forms P224S.
Identifiers: ClinVar variation 2188977 (VCV002188977.1), dbSNP rs752381136, ClinGen allele CA3596235.